The following is an entry in ClinVar:

ClinVar aggregate classification (germline): Uncertain significance. Review status: criteria provided, multiple submitters, no conflicts (2 of 4 stars). 2 submissions from 2 submitters: Uncertain significance (2). Last evaluated 2025-07-30.

Conditions:
Atypical hemolytic-uremic syndrome with I factor anomaly. Also called: HEMOLYTIC UREMIC SYNDROME, ATYPICAL, SUSCEPTIBILITY TO, 3; AHUS, SUSCEPTIBILITY TO, 3. Identifiers: Orphanet 2134, MedGen C2752039, MONDO:0013041, OMIM 612923.

gnomAD v4.1: 5 of 1,613,986 alleles (0.00031%); highest among the groups gnomAD compares: Non-Finnish European, 0.00042%; no homozygotes.

Submissions (2):

MVZ Medizinische Genetik Mainz
Classification: Uncertain significance for Atypical hemolytic-uremic syndrome with I factor anomaly. Last evaluated: 2025-07-30. Review status: criteria provided, single submitter. Criteria: UK Practice Guidelines For Variant Classification V4 01 2020. Collection method: clinical testing. Allele origin: germline. Inheritance: Autosomal dominant inheritance. Affected: yes. Observed: 1 variant allele.
Comment: ACMG Criteria: PM2_SUP,PM5_SUP

Blueprint Genetics
Classification: Uncertain significance. Last evaluated: 2017-08-01. Review status: criteria provided, single submitter. Criteria: ACMG Guidelines, 2015. Collection method: clinical testing. Allele origin: germline.

NM_000204.5(CFI):c.1246A>G (p.Ile416Val)

Gene: CFI (complement factor I; minus strand). Cytogenetic location: 4q25.
Variant type: single nucleotide variant.
Coding change: c.1246A>G on transcript NM_000204.5 (MANE Select); coding-DNA position 1246, A replaced by G.
Protein change: p.Ile416Val; replaces isoleucine 416 with valine.
Molecular consequence: missense variant. On other transcripts: non-coding transcript variant (2).
Genome position (GRCh38, 1-based): chr4:109,746,405, T>C on the plus strand (A>G on the coding strand, the complement: CFI is on the minus strand). VCF-style: chr4-109746405-T-C. GRCh37 (hg19) VCF-style: chr4-110667561-T-C.
Other names: c.1270A>G, p.Ile424Val (NM_001318057.2, NM_001375278.1, NM_001440988.1); c.1225A>G, p.Ile409Val (NM_001331035.2, NM_001375280.1, NM_001375282.1 and 1 more transcripts); c.1246A>G, p.Ile416Val (NM_001375279.1, NM_001375281.1, NM_001440989.1); c.1189A>G, p.Ile397Val (NM_001375283.1); c.637A>G, p.Ile213Val (NM_001375284.1); c.1267A>G, p.Ile423Val (NM_001440985.1, NM_001440986.1); short protein forms I213V, I397V, I409V, I416V, I423V, I424V.
Identifiers: ClinVar variation 4077073 (VCV004077073.2).